The following is an entry in ClinVar:

ClinVar aggregate classification (germline): Pathogenic (1 of 4 stars; one submission).

Conditions:
Nemaline myopathy 2 (NEM2). Also called: Nemaline myopathy 2, autosomal recessive. Identifiers: MedGen C1850569, MONDO:0009725, OMIM 256030.

Submission:

Labcorp Genetics (formerly Invitae), Labcorp
Classification: Pathogenic for Nemaline myopathy 2. Last evaluated: 2021-11-02. Review status: criteria provided, single submitter. Criteria: Invitae Variant Classification Sherloc (09022015). Collection method: clinical testing. Allele origin: germline.
Comment: For these reasons, this variant has been classified as Pathogenic. This variant is also known as chr2: 152,581,432 TG>T. This premature translational stop signal has been observed in individual(s) with clinical features of nemaline myopathy (PMID: 28424332). This variant is not present in population databases (gnomAD no frequency). This sequence change creates a premature translational stop signal (p.His149Thrfs*2) in the NEB gene. It is expected to result in an absent or disrupted protein product. Loss-of-function variants in NEB are known to be pathogenic (PMID: 25205138).

Literature cited by the submitters: PubMed 28424332; PubMed 25205138.

NM_001164508.2(NEB):c.445del (p.His149fs)

Gene: NEB (nebulin; minus strand). Cytogenetic location: 2q23.3.
Variant type: Deletion.
Coding change: c.445del on transcript NM_001164508.2 (MANE Select); coding-DNA position 445, one base deleted (C; older notation c.445delC).
Protein change: p.His149fs; shifts the reading frame from histidine 149.
Molecular consequence: frameshift variant.
Genome position (GRCh38, 1-based): chr2:151,724,919, G deleted on the plus strand (C on the coding strand, the reverse complement: NEB is on the minus strand). VCF-style (leftmost placement, unchanged base first): chr2-151724918-TG-T. GRCh37 (hg19) VCF-style: chr2-152581432-TG-T.
Other names: c.445del, p.His149fs (NM_001164507.2, NM_001271208.2, NM_004543.5); short protein forms H149fs.
Identifiers: ClinVar variation 1445309 (VCV001445309.6), dbSNP rs2150762300, ClinGen allele CA2573133630.